The following is an entry in ClinVar:

NM_001458.5(FLNC):c.269C>G (p.Pro90Arg)

Gene: FLNC (filamin C; plus strand). Cytogenetic location: 7q32.1.
Variant type: single nucleotide variant.
Coding change: c.269C>G on transcript NM_001458.5 (MANE Select); coding-DNA position 269, C replaced by G.
Protein change: p.Pro90Arg; replaces proline 90 with arginine.
Molecular consequence: missense variant.
Genome position (GRCh38, 1-based): chr7:128,830,906, C>G. VCF-style: chr7-128830906-C-G. GRCh37 (hg19) VCF-style: chr7-128470960-C-G.
Other names: c.269C>G, p.Pro90Arg (NM_001127487.2); short protein forms P90R.
Identifiers: ClinVar variation 962165 (VCV000962165.10), dbSNP rs1807861341, ClinGen allele CA369216729.

ClinVar aggregate classification (germline): Uncertain significance (1 of 4 stars; one submission).

Conditions:
Myofibrillar myopathy 5. Also called: Filaminopathy (type); FILAMINOPATHY, AUTOSOMAL DOMINANT. Identifiers: Orphanet 171445, MedGen C1836050, MONDO:0012289, OMIM 609524.
Distal myopathy with posterior leg and anterior hand involvement. Also called: WILLIAMS DISTAL MYOPATHY. Identifiers: Orphanet 63273, MedGen C3279722, MONDO:0013550, OMIM 614065.
Hypertrophic cardiomyopathy 26. Also called: Cardiomyopathy, familial hypertrophic, 26. Identifiers: Orphanet 75249, MedGen C4310749, MONDO:0014883, OMIM 617047.

Submission:

Labcorp Genetics (formerly Invitae), Labcorp
Classification: Uncertain significance for Distal myopathy with posterior leg and anterior hand involvement; Myofibrillar myopathy 5; Hypertrophic cardiomyopathy 26. Last evaluated: 2019-08-02. Review status: criteria provided, single submitter. Criteria: Invitae Variant Classification Sherloc (09022015). Collection method: clinical testing. Allele origin: germline.
Comment: In summary, the available evidence is currently insufficient to determine the role of this variant in disease. Therefore, it has been classified as a Variant of Uncertain Significance. Algorithms developed to predict the effect of missense changes on protein structure and function are either unavailable or do not agree on the potential impact of this missense change (SIFT: "Tolerated"; PolyPhen-2: "Probably Damaging"; Align-GVGD: "Class C0"). This variant has not been reported in the literature in individuals with FLNC-related conditions. This variant is not present in population databases (ExAC no frequency). This sequence change replaces proline with arginine at codon 90 of the FLNC protein (p.Pro90Arg). The proline residue is moderately conserved and there is a moderate physicochemical difference between proline and arginine.